The following is an entry in ClinVar:

ClinVar aggregate classification (germline): Uncertain significance (1 of 4 stars; one submission).

Conditions:
Long QT syndrome 11 (LQT11). Identifiers: Orphanet 101016, Orphanet 768, MedGen C2678483, MONDO:0012738, OMIM 611820.

Submission:

Center for Genomics, Ann and Robert H. Lurie Children's Hospital of Chicago
Classification: Uncertain significance for Long QT syndrome 11. Last evaluated: 2021-03-30. Review status: criteria provided, single submitter. Criteria: ACMG Guidelines, 2015. Collection method: clinical testing. Allele origin: germline.
Comment: AKAP9 NM_005751.4 exon 44 p.Arg3630Gly (c.10888A>G): This variant has not been reported in the literature and is not present in large control databases. This variant amino acid Glycine (Gly) is present in >15 species including multiple mammals, and it is not well conserved among evolutionarily distant species; this suggests that this variant may not impact the protein. Additional computational prediction tools are unclear. In summary, data on this variant is insufficient for disease classification. Therefore, the clinical significance of this variant is uncertain.

NM_005751.5(AKAP9):c.10888A>G (p.Arg3630Gly)

Gene: AKAP9 (A-kinase anchoring protein 9; plus strand). Cytogenetic location: 7q21.2.
Variant type: single nucleotide variant.
Coding change: c.10888A>G on transcript NM_005751.5 (MANE Select); coding-DNA position 10888, A replaced by G.
Protein change: p.Arg3630Gly; replaces arginine 3630 with glycine.
Molecular consequence: missense variant.
Genome position (GRCh38, 1-based): chr7:92,099,861, A>G. VCF-style: chr7-92099861-A-G. GRCh37 (hg19) VCF-style: chr7-91729175-A-G.
Other names: c.5533A>G, p.Arg1845Gly (NM_001379277.1); c.10864A>G, p.Arg3622Gly (NM_147185.3); short protein forms R1845G, R3622G, R3630G.
Identifiers: ClinVar variation 2500026 (VCV002500026.1), dbSNP rs2535309059, ClinGen allele CA368159115.